The following is an entry in ClinVar:

NM_173354.5(SIK1):c.1471G>A (p.Val491Ile)

Gene: SIK1 (salt inducible kinase 1; minus strand). Cytogenetic location: 21q22.3.
Variant type: single nucleotide variant.
Coding change: c.1471G>A on transcript NM_173354.5 (MANE Select); coding-DNA position 1471, G replaced by A.
Protein change: p.Val491Ile; replaces valine 491 with isoleucine.
Molecular consequence: missense variant.
Genome position (GRCh38, 1-based): chr21:43,418,533, C>T on the plus strand (G>A on the coding strand, the complement: SIK1 is on the minus strand). VCF-style: chr21-43418533-C-T. GRCh37 (hg19) VCF-style: chr21-44838413-C-T.
Other names: short protein forms V491I.
Identifiers: ClinVar variation 1427786 (VCV001427786.6), dbSNP rs140222760, ClinGen allele CA321325531.

ClinVar aggregate classification (germline): Uncertain significance (1 of 4 stars; one submission).

Conditions:
Developmental and epileptic encephalopathy, 30 (DEE30). Also called: Epileptic encephalopathy, early infantile, 30. Identifiers: MedGen C4225360, MONDO:0014595, OMIM 616341.

Submission:

Labcorp Genetics (formerly Invitae), Labcorp
Classification: Uncertain significance for Developmental and epileptic encephalopathy, 30. Last evaluated: 2025-06-12. Review status: criteria provided, single submitter. Criteria: Invitae Variant Classification Sherloc (09022015). Collection method: clinical testing. Allele origin: germline.
Comment: This sequence change replaces valine, which is neutral and non-polar, with isoleucine, which is neutral and non-polar, at codon 491 of the SIK1 protein (p.Val491Ile). This variant is present in population databases (rs140222760, gnomAD 0.005%). This variant has not been reported in the literature in individuals affected with SIK1-related conditions. ClinVar contains an entry for this variant (Variation ID: 1427786). Invitae Evidence Modeling of protein sequence and biophysical properties (such as structural, functional, and spatial information, amino acid conservation, physicochemical variation, residue mobility, and thermodynamic stability) indicates that this missense variant is not expected to disrupt SIK1 protein function with a negative predictive value of 95%. In summary, the available evidence is currently insufficient to determine the role of this variant in disease. Therefore, it has been classified as a Variant of Uncertain Significance.